The following is an entry in ClinVar:

NM_020964.3(EPG5):c.6084G>A (p.Trp2028Ter)

Gene: EPG5 (ectopic P-granules 5 autophagy tethering factor; minus strand). Cytogenetic location: 18q12.3.
Variant type: single nucleotide variant.
Coding change: c.6084G>A on transcript NM_020964.3 (MANE Select); coding-DNA position 6084, G replaced by A.
Protein change: p.Trp2028Ter; replaces tryptophan 2028 with a stop codon.
Molecular consequence: nonsense.
Genome position (GRCh38, 1-based): chr18:45,870,708, C>T on the plus strand (G>A on the coding strand, the complement: EPG5 is on the minus strand). VCF-style: chr18-45870708-C-T. GRCh37 (hg19) VCF-style: chr18-43450673-C-T.
Other names: c.6084G>A, p.Trp2028Ter (LRG_1234t1); short protein forms W2028*.
Identifiers: ClinVar variation 623301 (VCV000623301.7), dbSNP rs1568107449, ClinGen allele CA402340899.

ClinVar aggregate classification (germline): Pathogenic/Likely pathogenic. Review status: criteria provided, multiple submitters, no conflicts (2 of 4 stars). 3 submissions from 3 submitters: Pathogenic (2); Likely pathogenic (1). Last evaluated 2023-03-18.

Conditions:
Vici syndrome (VICIS). Identifiers: Orphanet 1493, MedGen C1855772, MONDO:0009452, OMIM 242840.

Submissions (3):

Labcorp Genetics (formerly Invitae), Labcorp
Classification: Pathogenic for Vici syndrome. Last evaluated: 2023-03-18. Review status: criteria provided, single submitter. Criteria: Invitae Variant Classification Sherloc (09022015). Collection method: clinical testing. Allele origin: germline.
Comment: For these reasons, this variant has been classified as Pathogenic. ClinVar contains an entry for this variant (Variation ID: 623301). This premature translational stop signal has been observed in individual(s) with Vici syndrome (PMID: 26917586). This variant is not present in population databases (gnomAD no frequency). This sequence change creates a premature translational stop signal (p.Trp2028*) in the EPG5 gene. It is expected to result in an absent or disrupted protein product. Loss-of-function variants in EPG5 are known to be pathogenic (PMID: 23222957, 23674064).

SIB Swiss Institute of Bioinformatics
Classification: Likely pathogenic for Vici syndrome. Last evaluated: 2019-01-17. Review status: criteria provided, single submitter. Criteria: ACMG Guidelines, 2015. Collection method: curation. Allele origin: unknown.
Comment: This variant is interpreted as a Likely pathogenic for Vici syndrome, autosomal recessive. The following ACMG Tag(s) were applied: PM2 => Absent from controls (or at extremely low frequency if recessive) in Exome Sequencing Project, 1000 Genomes Project, or Exome Aggregation Consortium. PVS1 => Predicted nullvariant in a gene where LOF is a known mechanism of disease.

ClinGen:CA402340899

Department of Genetics, Sultan Qaboos University Hospital
Classification: Pathogenic for Vici syndrome. Last evaluated: 2017-12-30. Review status: criteria provided, single submitter. Criteria: ACMG Guidelines, 2015. Collection method: curation. Allele origin: unknown. Affected: yes.

Literature cited by the submitters: PubMed 26917586 (cited by Labcorp Genetics (formerly Invitae), Labcorp and SIB Swiss Institute of Bioinformatics); PubMed 23222957 (cited by Labcorp Genetics (formerly Invitae), Labcorp); PubMed 23674064 (cited by Labcorp Genetics (formerly Invitae), Labcorp).